The following is an entry in ClinVar:

ClinVar aggregate classification (germline): Uncertain significance (1 of 4 stars; one submission).

Submission:

GeneDx
Classification: Uncertain significance. Last evaluated: 2025-12-22. Review status: criteria provided, single submitter. Criteria: GeneDx Variant Classification Process June 2021. Collection method: clinical testing. Allele origin: germline.
Comment: Frameshift variant predicted to result in protein truncation or nonsense mediated decay in a gene for which loss-of-function is not a known mechanism of disease; Has not been previously published as pathogenic or benign to our knowledge; Not observed at significant frequency in large population cohorts (gnomAD)

NM_001286445.3(RIPOR2):c.201delinsTTGGATGCCCAATCCAAATCCTTTTGGATGCCCAATCCTCACAATTTCTTCTGTTCTTTCCATAGGTGTAACTCCATAGGA (p.Phe67_Ile68insTrpMetProAsnProAsnProPheGlyCysProIleLeuThrIleSerSerValLeuSerIleGlyValThrProTer)

Gene: RIPOR2 (RHO family interacting cell polarization regulator 2; minus strand). Cytogenetic location: 6p22.3.
Variant type: Indel.
Coding change: c.201delinsTTGGATGCCCAATCCAAATCCTTTTGGATGCCCAATCCTCACAATTTCTTCTGTTCTTTCCATAGGTGTAACTCCATAGGA on transcript NM_001286445.3 (MANE Select); coding-DNA position 201, the reference bases replaced by an inserted sequence.
Protein change: p.Phe67_Ile68insTrpMetProAsnProAsnProPheGlyCysProIleLeuThrIleSerSerValLeuSerIleGlyValThrProTer.
Molecular consequence: nonsense, inframe insertion.
Genome position (GRCh38, 1-based): chr6:24,873,787, one base replaced. GRCh37 (hg19), VCF-style position (the base before the change): chr6:24,874,015.
Other names: c.216delinsTTGGATGCCCAATCCAAATCCTTTTGGATGCCCAATCCTCACAATTTCTTCTGTTCTTTCCATAGGTGTAACTCCATAGGA, p.Phe72_Ile73insTrpMetProAsnProAsnProPheGlyCysProIleLeuThrIleSerSerValLeuSerIleGlyValThrProTer (NM_001286446.3); c.114delinsTTGGATGCCCAATCCAAATCCTTTTGGATGCCCAATCCTCACAATTTCTTCTGTTCTTTCCATAGGTGTAACTCCATAGGA, p.Phe38_Ile39insTrpMetProAsnProAsnProPheGlyCysProIleLeuThrIleSerSerValLeuSerIleGlyValThrProTer (NM_001286447.2, NM_001346031.2, NM_001346032.2 and 2 more transcripts).
Identifiers: ClinVar variation 3340894 (VCV003340894.2).